The following is an entry in ClinVar:

NM_025114.4(CEP290):c.1516C>T (p.Arg506Cys)

Gene: CEP290 (centrosomal protein 290; minus strand). Cytogenetic location: 12q21.32.
Variant type: single nucleotide variant.
Coding change: c.1516C>T on transcript NM_025114.4 (MANE Select); coding-DNA position 1516, C replaced by T.
Protein change: p.Arg506Cys; replaces arginine 506 with cysteine.
Molecular consequence: missense variant.
Genome position (GRCh38, 1-based): chr12:88,120,120, G>A on the plus strand (C>T on the coding strand, the complement: CEP290 is on the minus strand). VCF-style: chr12-88120120-G-A. GRCh37 (hg19) VCF-style: chr12-88513897-G-A.
Other names: short protein forms R506C.
Identifiers: ClinVar variation 991679 (VCV000991679.3), dbSNP rs368427967, ClinGen allele CA6712547.
Genomic context (GRCh38, chr12:88,120,120, plus strand): 5'-AAAAAGACTTGTAAATCAGGTTGCGCAAACTATGTAACTTAAAACATGGCTTACCCACAC[G>A]CTCTCTAAGTGCCTCATTTTCATCAAGGAAATCACTGATCTTCAATTCAAGTTTATTGAT-3'
Protein context (NP_079390.3, residues 496-516): FLDENEALRE[Arg506Cys]VGLEPKTMID

ClinVar aggregate classification (germline): Uncertain significance. Review status: criteria provided, multiple submitters, no conflicts (2 of 4 stars). 3 submissions from 3 submitters: Uncertain significance (2). 1 of the submissions does not count toward it. Last evaluated 2025-05-01.

Conditions:
Nephronophthisis. Also called: Juvenile Nephronophthisis. Identifiers: Orphanet 655, MedGen C0687120, MONDO:0019005, HP:0000090.
Meckel-Gruber syndrome. Also called: DYSENCEPHALIA SPLANCHNOCYSTICA; GRUBER SYNDROME; Dysencephalia splachnocystica. Identifiers: Orphanet 564, MedGen C0265215, MONDO:0018921.
Joubert syndrome. Also called: JOUBERT-BOLTSHAUSER SYNDROME; Familial aplasia of the vermis. Identifiers: Orphanet 475, MedGen C5979921, MONDO:0018772.
Leber congenital amaurosis (LCA). Also called: Leber's amaurosis. Identifiers: Orphanet 65, MedGen C0339527, MeSH D057130, MONDO:0018998.

Allele frequency attached by ClinVar (database versions not stated): ExAC below 0.00001; TOPMed 0.00001; ESP Exome Variant Server 0.00008.
gnomAD v4.1: 19 of 1,526,478 alleles (0.0012%); highest among the groups gnomAD compares: Non-Finnish European, 0.0015%; no homozygotes.

Submissions (3):

Labcorp Genetics (formerly Invitae), Labcorp
Classification: Uncertain significance for Joubert syndrome; Meckel-Gruber syndrome; Nephronophthisis. Last evaluated: 2025-05-01. Review status: criteria provided, single submitter. Criteria: Invitae Variant Classification Sherloc (09022015). Collection method: clinical testing. Allele origin: germline.
Comment: This sequence change replaces arginine, which is basic and polar, with cysteine, which is neutral and slightly polar, at codon 506 of the CEP290 protein (p.Arg506Cys). This variant is not present in population databases (gnomAD no frequency). This variant has not been reported in the literature in individuals affected with CEP290-related conditions. ClinVar contains an entry for this variant (Variation ID: 991679). Invitae Evidence Modeling of protein sequence and biophysical properties (such as structural, functional, and spatial information, amino acid conservation, physicochemical variation, residue mobility, and thermodynamic stability) indicates that this missense variant is expected to disrupt CEP290 protein function with a positive predictive value of 80%. In summary, the available evidence is currently insufficient to determine the role of this variant in disease. Therefore, it has been classified as a Variant of Uncertain Significance.

Blueprint Genetics
Classification: Uncertain significance. Last evaluated: 2023-04-24. Review status: criteria provided, single submitter. Criteria: ACMG Guidelines, 2015. Collection method: clinical testing. Allele origin: germline.

Natera, Inc.
Classification: Uncertain significance for Leber congenital amaurosis. Last evaluated: 2020-04-17. Review status: no assertion criteria provided. Collection method: clinical testing. Allele origin: germline. Not counted in ClinVar's aggregate classification.